The following is an entry in ClinVar:

ClinVar aggregate classification (germline): Uncertain significance (1 of 4 stars; one submission).

Submission:

GeneDx
Classification: Uncertain significance. Last evaluated: 2022-01-08. Review status: criteria provided, single submitter. Criteria: GeneDx Variant Classification Process June 2021. Collection method: clinical testing. Allele origin: germline. Affected: yes.
Comment: Not observed at significant frequency in large population cohorts (gnomAD); In silico analysis supports that this missense variant does not alter protein structure/function; Has not been previously published as pathogenic or benign to our knowledge

NM_152424.4(AMER1):c.1014C>G (p.Asp338Glu)

Gene: AMER1 (APC membrane recruitment protein 1; minus strand). Cytogenetic location: Xq11.2.
Variant type: single nucleotide variant.
Coding change: c.1014C>G on transcript NM_152424.4 (MANE Select); coding-DNA position 1014, C replaced by G.
Protein change: p.Asp338Glu; replaces aspartic acid 338 with glutamic acid.
Molecular consequence: missense variant.
Genome position (GRCh38, 1-based): chrX:64,192,273, G>C on the plus strand (C>G on the coding strand, the complement: AMER1 is on the minus strand). VCF-style: chrX-64192273-G-C. GRCh37 (hg19) VCF-style: chrX-63412153-G-C.
Other names: short protein forms D338E.
Identifiers: ClinVar variation 1334338 (VCV001334338.2), dbSNP rs2147089233, ClinGen allele CA413308685.